The following is an entry in ClinVar:

ClinVar aggregate classification (germline): Uncertain significance. Review status: criteria provided, multiple submitters, no conflicts (2 of 4 stars). 2 submissions from 2 submitters: Uncertain significance (2). Last evaluated 2022-10-28.

Conditions:
Hereditary cancer-predisposing syndrome. Also called: Tumor predisposition; Hereditary neoplastic syndrome; Neoplastic Syndromes, Hereditary; Hereditary Cancer Syndrome. Identifiers: Orphanet 140162, MedGen C0027672, MeSH D009386, MONDO:0015356.
Mitochondrial complex II deficiency, nuclear type 1. Also called: SUCCINATE CoQ REDUCTASE DEFICIENCY. Identifiers: Orphanet 3208, MedGen C5700310, MONDO:0100294, OMIM 252011.
Pheochromocytoma/paraganglioma syndrome 5. Also called: Paragangliomas 5; SDHA-Related Hereditary Paraganglioma-Pheochromocytoma Syndrome. Identifiers: Orphanet 29072, MedGen C3279992, MONDO:0013602, OMIM 614165.

Allele frequency attached by ClinVar (database versions not stated): gnomAD exomes below 0.00001.
gnomAD v4.1: 2 of 1,613,918 alleles (0.00012%); highest among the groups gnomAD compares: South Asian, 0.0011%; no homozygotes.

Submissions (2):

Labcorp Genetics (formerly Invitae), Labcorp
Classification: Uncertain significance for Pheochromocytoma/paraganglioma syndrome 5; Mitochondrial complex II deficiency, nuclear type 1. Last evaluated: 2022-10-28. Review status: criteria provided, single submitter. Criteria: Invitae Variant Classification Sherloc (09022015). Collection method: clinical testing. Allele origin: germline.
Comment: In summary, the available evidence is currently insufficient to determine the role of this variant in disease. Therefore, it has been classified as a Variant of Uncertain Significance. Algorithms developed to predict the effect of missense changes on protein structure and function (SIFT, PolyPhen-2, Align-GVGD) all suggest that this variant is likely to be tolerated. ClinVar contains an entry for this variant (Variation ID: 1055920). This variant has not been reported in the literature in individuals affected with SDHA-related conditions. This variant is not present in population databases (gnomAD no frequency). This sequence change replaces lysine, which is basic and polar, with glutamic acid, which is acidic and polar, at codon 598 of the SDHA protein (p.Lys598Glu).

Ambry Genetics
Classification: Uncertain significance for Hereditary cancer-predisposing syndrome. Last evaluated: 2022-02-27. Review status: criteria provided, single submitter. Criteria: Ambry Variant Classification Scheme 2023. Collection method: clinical testing. Allele origin: germline.
Comment: The p.K598E variant (also known as c.1792A>G), located in coding exon 13 of the SDHA gene, results from an A to G substitution at nucleotide position 1792. The lysine at codon 598 is replaced by glutamic acid, an amino acid with similar properties. This amino acid position is conserved. In addition, the in silico prediction for this alteration is inconclusive. Since supporting evidence is limited at this time, the clinical significance of this alteration remains unclear.

NM_004168.4(SDHA):c.1792A>G (p.Lys598Glu)

Gene: SDHA (succinate dehydrogenase complex flavoprotein subunit A; plus strand). Cytogenetic location: 5p15.33.
Variant type: single nucleotide variant.
Coding change: c.1792A>G on transcript NM_004168.4 (MANE Select); coding-DNA position 1792, A replaced by G.
Protein change: p.Lys598Glu; replaces lysine 598 with glutamic acid.
Molecular consequence: missense variant. On other transcripts: intron variant (1).
Genome position (GRCh38, 1-based): chr5:251,466, A>G. VCF-style: chr5-251466-A-G. GRCh37 (hg19) VCF-style: chr5-251581-A-G.
Other names: c.1648A>G, p.Lys550Glu (NM_001294332.2); c.1552-2927A>G (NM_001330758.2); short protein forms K550E, K598E.
Identifiers: ClinVar variation 1055920 (VCV001055920.16), dbSNP rs2126633857, ClinGen allele CA359000506.
Genomic context (GRCh38, chr5:251,466, plus strand): 5'-ACCATCTACGGAGCAGAGGCACGGAAGGAGTCACGGGGCGCGCATGCCAGGGAAGACTAC[A>G]AGGTGGGCCTTCTCACCACGCCCACCTGCACCTGCCTTTTCCTGCCACCTGGTGGGACTC-3'
Protein context (NP_004159.2, residues 588-608): SRGAHAREDY[Lys598Glu]VRIDEYDYSK